The following is an entry in ClinVar:

ClinVar aggregate classification (germline): Uncertain significance (1 of 4 stars; one submission).

Conditions:
Hereditary breast ovarian cancer syndrome. Also called: Hereditary breast and ovarian cancer syndrome; Hereditary breast and ovarian cancer syndrome (HBOC); BRCA1- and BRCA2-Associated Hereditary Breast and Ovarian Cancer; Hereditary breast and ovarian cancer; Breast and ovarian cancer; Hereditary breast and/or ovarian cancer syndrome. Identifiers: Orphanet 145, MedGen C0677776, MeSH D061325, MONDO:0003582. Disease mechanism: loss of function.

Submission:

Labcorp Genetics (formerly Invitae), Labcorp
Classification: Uncertain significance for Hereditary breast ovarian cancer syndrome. Last evaluated: 2024-02-07. Review status: criteria provided, single submitter. Criteria: Invitae Variant Classification Sherloc (09022015). Collection method: clinical testing. Allele origin: germline.
Comment: This sequence change replaces asparagine, which is neutral and polar, with lysine, which is basic and polar, at codon 1544 of the BRCA2 protein (p.Asn1544Lys). This variant is not present in population databases (gnomAD no frequency). This variant has not been reported in the literature in individuals affected with BRCA2-related conditions. Advanced modeling of protein sequence and biophysical properties (such as structural, functional, and spatial information, amino acid conservation, physicochemical variation, residue mobility, and thermodynamic stability) performed at Invitae indicates that this missense variant is not expected to disrupt BRCA2 protein function with a negative predictive value of 95%. In summary, the available evidence is currently insufficient to determine the role of this variant in disease. Therefore, it has been classified as a Variant of Uncertain Significance.

NM_000059.4(BRCA2):c.4632C>A (p.Asn1544Lys)

Gene: BRCA2 (BRCA2 DNA repair associated; plus strand). Cytogenetic location: 13q13.1.
Variant type: single nucleotide variant.
Coding change: c.4632C>A on transcript NM_000059.4 (MANE Select); coding-DNA position 4632, C replaced by A.
Protein change: p.Asn1544Lys; replaces asparagine 1544 with lysine.
Molecular consequence: missense variant. On other transcripts: non-coding transcript variant (1), intron variant (2).
Genome position (GRCh38, 1-based): chr13:32,338,987, C>A. VCF-style: chr13-32338987-C-A. GRCh37 (hg19) VCF-style: chr13-32913124-C-A.
Other names: c.4632C>A, p.Asn1544Lys (NM_001406719.1, NM_001406720.1, NM_001432077.1); c.1910-5571C>A (NM_001406721.1); c.425-5571C>A (NM_001406722.1); short protein forms N1544K.
Identifiers: ClinVar variation 3636479 (VCV003636479.2).